The following is an entry in ClinVar:

ClinVar aggregate classification (germline): Benign. Review status: criteria provided, multiple submitters, no conflicts (2 of 4 stars). 3 submissions from 3 submitters: Benign (3). Last evaluated 2026-01-15.

Conditions:
Dihydropyrimidinase deficiency (DPYSD). Also called: dihydropyrimidinuria; DPH DEFICIENCY; DPYS DEFICIENCY. Identifiers: Orphanet 38874, MedGen C0342803, MONDO:0009111, OMIM 222748.

Allele frequency attached by ClinVar (database versions not stated): gnomAD exomes 0.00072 and 0.00192; ExAC 0.00231; gnomAD 0.00752 and 0.00805; TOPMed 0.00826; 1000 Genomes Project 0.00859; ESP Exome Variant Server 0.00884; 1000 Genomes Project 30x 0.00937.
gnomAD v4.1: 2,237 of 1,614,146 alleles (0.14%); highest among the groups gnomAD compares: African/African-American, 2.5%; 28 homozygotes.

Submissions (3):

Labcorp Genetics (formerly Invitae), Labcorp
Classification: Benign. Last evaluated: 2026-01-15. Review status: criteria provided, single submitter. Criteria: Invitae Variant Classification Sherloc (09022015). Collection method: clinical testing. Allele origin: germline.

Illumina Laboratory Services, Illumina
Classification: Benign for Dihydropyrimidinase deficiency. Last evaluated: 2018-01-13. Review status: criteria provided, single submitter. Criteria: ICSL Variant Classification Criteria 13 December 2019. Collection method: clinical testing. Allele origin: germline.
Comment: This variant was observed in the ICSL laboratory as part of a predisposition screen in an ostensibly healthy population. It had not been previously curated by ICSL or reported in the Human Gene Mutation Database (HGMD: prior to June 1st, 2018), and was therefore a candidate for classification through an automated scoring system. Utilizing variant allele frequency, disease prevalence and penetrance estimates, and inheritance mode, an automated score was calculated to assess if this variant is too frequent to cause the disease. Based on the score and internal cut-off values, a variant classified as benign is not then subjected to further curation. The score for this variant resulted in a classification of benign for this disease.

Breakthrough Genomics
Classification: Benign. Review status: criteria provided, single submitter. Criteria: ACMG Guidelines, 2015. Collection method: not provided. Allele origin: germline. Inheritance: Autosomal recessive inheritance. Affected: yes.

NM_001385.3(DPYS):c.1350C>T (p.Ala450=)

Gene: DPYS (dihydropyrimidinase; minus strand). Cytogenetic location: 8q22.3.
Variant type: single nucleotide variant.
Coding change: c.1350C>T on transcript NM_001385.3 (MANE Select); coding-DNA position 1350, C replaced by T.
Protein change: p.Ala450=; no amino-acid change (alanine 450 retained).
Molecular consequence: synonymous variant.
Genome position (GRCh38, 1-based): chr8:104,392,877, G>A on the plus strand (C>T on the coding strand, the complement: DPYS is on the minus strand). VCF-style: chr8-104392877-G-A. GRCh37 (hg19) VCF-style: chr8-105405105-G-A.
Identifiers: ClinVar variation 361448 (VCV000361448.16), dbSNP rs75490773, ClinGen allele CA4838301.
Genomic context (GRCh38, chr8:104,392,877, plus strand): 5'-TTCAGCAAATGGTTTTCGAGGAATAAACTTCCCATCTCCTGCCGTGACACTGAACACTCC[G>A]GCTTCATATACCACTTTGCCTCTTGAAATAGTCACAAGGGGCACCCCGTGGCAAACCATG-3'
Protein context (NP_001376.1, residues 440-460): TISRGKVVYE[Ala450=]GVFSVTAGDG